The following is an entry in ClinVar:

NM_000492.4(CFTR):c.3493_3494delinsT (p.Lys1165fs)

Genes: CFTR (CF transmembrane conductance regulator; plus strand), CFTR-AS2 (CFTR antisense RNA 2; minus strand). Cytogenetic location: 7q31.2.
Variant type: Indel.
Coding change: c.3493_3494delinsT on transcript NM_000492.4 (MANE Select); coding-DNA positions 3493 to 3494, AA replaced by T.
Protein change: p.Lys1165fs; shifts the reading frame from lysine 1165.
Molecular consequence: frameshift variant.
Genome position (GRCh38, 1-based): chr7:117,627,546-117,627,547, AA replaced by T. VCF-style: chr7-117627546-AA-T. GRCh37 (hg19) VCF-style: chr7-117267600-AA-T.
Other names: short protein forms K1165fs.
Identifiers: ClinVar variation 1725741 (VCV001725741.2), dbSNP rs2485146150, ClinGen allele CA2580076325.

ClinVar aggregate classification (germline): Likely pathogenic (1 of 4 stars; one submission).

Conditions:
Cystic fibrosis (CF). Also called: MUCOVISCIDOSIS. Identifiers: Orphanet 586, MedGen C0010674, MONDO:0009061, OMIM 219700. Disease mechanism: loss of function.

Submission:

Myriad Genetics, Inc.
Classification: Likely pathogenic for Cystic fibrosis. Last evaluated: 2022-03-31. Review status: criteria provided, single submitter. Criteria: Myriad Women's Health Autosomal Recessive and X-Linked Classification Criteria (2021). Collection method: clinical testing. Allele origin: unknown.
Comment: NM_000492.3(CFTR):c.3493_3494delAAinsT(K1165Cfs*27) is expected to be pathogenic in the context of cystic fibrosis. This variant is predicted to lead to an abnormal or absent protein product due to the creation of a premature termination codon in CFTR, a gene where loss-of-function variants are known to be pathogenic. Please note: this variant was assessed in the context of healthy population screening.